The following is an entry in ClinVar:

NM_001035.3(RYR2):c.8573TGGAGT[1] (p.Leu2860_Glu2861del)

Gene: RYR2 (ryanodine receptor 2; plus strand). Cytogenetic location: 1q43.
Variant type: Microsatellite.
Coding change: c.8573TGGAGT[1] on transcript NM_001035.3 (MANE Select); one copy of the 6-base unit TGGAGT starting at c.8573; the reference has two copies in a row; one copy, 6 bases deleted; also written c.8579_8584del.
Protein change: p.Leu2860_Glu2861del.
Molecular consequence: inframe deletion.
Genome position (GRCh38, 1-based): chr1:237,667,947-237,667,952, TGGAGT deleted; deleting any 6 consecutive bases within chr1:237,667,941-237,667,952 gives the same sequence; the position shown is the placement nearest the transcript's 3' end. VCF-style (leftmost placement, unchanged base first): chr1-237667940-ATGGAGT-A. GRCh37 (hg19) VCF-style: chr1-237831240-ATGGAGT-A.
Other names: c.8579_8584del6 (NM_001035.2); c.8579_8584del (NM_001035.3, NM_001035.2).
Identifiers: ClinVar variation 201408 (VCV000201408.62), dbSNP rs794728835, ClinGen allele CA011069.

ClinVar aggregate classification (germline): Conflicting classifications of pathogenicity. Review status: criteria provided, conflicting classifications (1 of 4 stars). 9 submissions from 9 submitters: Uncertain significance (5); Likely benign (3). 1 of the submissions does not count toward it. Last evaluated 2026-05-01.

Conditions:
RYR2-related disorder. Also called: RYR2-related condition.
Catecholaminergic polymorphic ventricular tachycardia (CVPT). Also called: Catecholamine-induced polymorphic ventricular tachycardia. Identifiers: Orphanet 3286, MedGen C5574922, MONDO:0017990.
Cardiovascular phenotype. Identifiers: MedGen CN230736.
Cardiomyopathy (CMYO). Also called: Cardiomyopathies. Identifiers: Orphanet 167848, MedGen C0878544, MONDO:0004994, HP:0001638. Inheritance: Various modes of inheritance.
Catecholaminergic polymorphic ventricular tachycardia 1. Also called: RYR2-Related Catecholaminergic Polymorphic Ventricular Tachycardia; VENTRICULAR TACHYCARDIA, CATECHOLAMINERGIC POLYMORPHIC, 1, WITH OR WITHOUT ATRIAL DYSFUNCTION AND/OR DILATED CARDIOMYOPATHY; VENTRICULAR TACHYCARDIA, STRESS-INDUCED POLYMORPHIC 1. Identifiers: Orphanet 3286, MedGen C1631597, MONDO:0011484, OMIM 604772.

Submissions (9):

CeGaT Center for Human Genetics Tuebingen
Classification: Uncertain significance. Last evaluated: 2026-05-01. Review status: criteria provided, single submitter. Criteria: CeGaT Center For Human Genetics Tuebingen Variant Classification Criteria Version 2. Collection method: clinical testing. Allele origin: germline. Affected: yes. Observed: 1 variant allele.
Comment: RYR2: PM4

Labcorp Genetics (formerly Invitae), Labcorp
Classification: Uncertain significance for Catecholaminergic polymorphic ventricular tachycardia 1. Last evaluated: 2026-01-21. Review status: criteria provided, single submitter. Criteria: Invitae Variant Classification Sherloc (09022015). Collection method: clinical testing. Allele origin: germline.
Comment: This variant, c.8579_8584del, results in the deletion of 2 amino acid(s) of the RYR2 protein (p.Leu2860_Glu2861del), but otherwise preserves the integrity of the reading frame. The frequency data for this variant in the population databases is considered unreliable, as metrics indicate poor data quality at this position in the gnomAD database. This variant has not been reported in the literature in individuals affected with RYR2-related conditions. ClinVar contains an entry for this variant (Variation ID: 201408). Experimental studies and prediction algorithms are not available or were not evaluated, and the functional significance of this variant is currently unknown. In summary, the available evidence is currently insufficient to determine the role of this variant in disease. Therefore, it has been classified as a Variant of Uncertain Significance.

All of Us Research Program, National Institutes of Health
Classification: Likely benign for Catecholaminergic polymorphic ventricular tachycardia. Last evaluated: 2024-04-16. Review status: criteria provided, single submitter. Criteria: ACMG Guidelines, 2015. Collection method: clinical testing. Allele origin: germline. Inheritance: Autosomal dominant inheritance. Observed: 10 variant alleles, 10 heterozygotes.
Comment: This study involves interpretation of variants in research participants for the purpose of population health screening. Participant phenotype was not available at the time of variant classification. Additional details can be found in publication PMID: 35346344, PMCID: PMC8962531

Color Diagnostics, LLC DBA Color Health
Classification: Likely benign for Cardiomyopathy. Last evaluated: 2024-02-15. Review status: criteria provided, single submitter. Criteria: ACMG Guidelines, 2015. Collection method: clinical testing. Allele origin: germline.

Women's Health and Genetics/Laboratory Corporation of America, LabCorp
Classification: Likely benign. Last evaluated: 2021-08-23. Review status: criteria provided, single submitter. Criteria: LabCorp Variant Classification Summary - May 2015. Collection method: clinical testing. Allele origin: germline.
Comment: Variant summary: RYR2 c.8579_8584delTGGAGT (p.Leu2860_Glu2861del) results in an in-frame deletion that is predicted to remove 2 amino acids from the encoded protein. The variant allele was found at a frequency of 8.7e-05 in 195566 control chromosomes, predominantly at a frequency of 0.00055 within the Latino subpopulation in the gnomAD database. The observed variant frequency within Latino control individuals in the gnomAD database is approximately 16 fold of the estimated maximal expected allele frequency for a pathogenic variant in RYR2 causing Catecholaminergic Polymorphic Ventricular Tachycardia phenotype (3.4e-05), strongly suggesting that the variant is a benign polymorphism found primarily in populations of Latino origin. To our knowledge, no occurrence of c.8579_8584delTGGAGT in individuals affected with Catecholaminergic Polymorphic Ventricular Tachycardia and no experimental evidence demonstrating its impact on protein function have been reported. Three ClinVar submitters (evaluation after 2014) cite the variant as uncertain significance. Based on the evidence outlined above, the variant was classified as likely benign.

Ambry Genetics
Classification: Uncertain significance for Cardiovascular phenotype. Last evaluated: 2020-12-02. Review status: criteria provided, single submitter. Criteria: Ambry Variant Classification Scheme 2023. Collection method: clinical testing. Allele origin: germline.
Comment: The c.8579_8584delTGGAGT (p.L2860_E2861del) alteration is located in exon 58 (coding exon 58) of the RYR2 gene. This alteration consists of an in-frame deletion of 6 nucleotides between nucleotide positions 8579 and 8584, resulting in the deletion of 2 residues. Based on insufficient or conflicting evidence, the clinical significance of this alteration remains unclear.

Center for Advanced Laboratory Medicine, UC San Diego Health, University of California San Diego
Classification: Uncertain significance for Cardiomyopathy. Last evaluated: 2017-08-30. Review status: criteria provided, single submitter. Criteria: ACMG Guidelines, 2015. Collection method: clinical testing. Allele origin: germline. Affected: yes. Observed: 1 variant allele.

GeneDx
Classification: Uncertain significance. Last evaluated: 2012-02-22. Review status: criteria provided, single submitter. Criteria: GeneDx Variant Classification (06012015). Collection method: clinical testing. Allele origin: germline. Affected: yes.
Comment: An in-frame deletion of 6 nucleotides was identified in exon 58 of the RYR2 gene. The sequence with the bases that are deleted in braces is: GAGT{TGGAGT}CCAA. This variant is denoted c.8579_8584delTGGAGT at the cDNA level and p.Leu2860_Glu2861del at the protein level. The c.8579_8584delTGGAGT variant in the RYR2 gene has not been reported previously as a disease-causing mutation nor as a benign polymorphism, to our knowledge. This variant results in the in-frame deletion of two amino acids, Leucine and Glutamic acid. While an in-fame deletion (c.14206_14208delACC) has been reported as a pathogenic mutation in the transmembrane region of RYR2, the c.8579_8584delTGGAGT variant does not occur in any of the RYR2 mutation hot spots (Medeiros-Domingo A et al., 2009). In addition, no mutations in nearby codons have been reported, suggesting this region of the protein may tolerate change. In summary, we cannot determine whether the c.8579_8584delTGGAGT variant is a disease-causing mutation or a benign variant. The variant is found in ARVC panel(s).

PreventionGenetics, part of Exact Sciences
Classification: Likely benign for RYR2-related condition. Last evaluated: 2023-09-05. Review status: no assertion criteria provided. Collection method: clinical testing. Allele origin: germline. Not counted in ClinVar's aggregate classification.
Comment: This variant is classified as likely benign based on ACMG/AMP sequence variant interpretation guidelines (Richards et al. 2015 PMID: 25741868, with internal and published modifications).